The following is an entry in ClinVar:

NM_014956.5(CEP164):c.801G>T (p.Lys267Asn)

Gene: CEP164 (centrosomal protein 164; plus strand). Cytogenetic location: 11q23.3.
Variant type: single nucleotide variant.
Coding change: c.801G>T on transcript NM_014956.5 (MANE Select); coding-DNA position 801, G replaced by T.
Protein change: p.Lys267Asn; replaces lysine 267 with asparagine.
Molecular consequence: missense variant.
Genome position (GRCh38, 1-based): chr11:117,371,115, G>T. VCF-style: chr11-117371115-G-T. GRCh37 (hg19) VCF-style: chr11-117241831-G-T.
Other names: c.801G>T, p.Lys267Asn (NM_001271933.2, NM_001440949.1, NM_001440950.1 and 16 more transcripts); c.723G>T, p.Lys241Asn (NM_001440952.1, NM_001440954.1, NM_001440955.1 and 17 more transcripts); c.663G>T, p.Lys221Asn (NM_001440960.1); short protein forms K221N, K241N, K267N.
Identifiers: ClinVar variation 4994053 (VCV004994053.1).

ClinVar aggregate classification (germline): Uncertain significance (1 of 4 stars; one submission).

Conditions:
CEP164-related disorder. Also called: CEP164-related condition.

gnomAD v4.1: 3 of 1,609,260 alleles (0.00019%); highest among the groups gnomAD compares: Non-Finnish European, 0.00025%; no homozygotes.

Submission:

PreventionGenetics, part of Exact Sciences
Classification: Uncertain significance for CEP164-related condition. Last evaluated: 2026-03-20. Review status: criteria provided, single submitter. Criteria: ACMG Guidelines, 2015. Collection method: clinical testing. Allele origin: germline.
Comment: The CEP164 c.801G>T variant is predicted to result in the amino acid substitution p.Lys267Asn. To our knowledge, this variant has not been reported in the literature or in a large population database (gnomAD), indicating this variant is rare. At this time, the clinical significance of this variant is uncertain due to the absence of conclusive functional and genetic evidence.